The following is an entry in ClinVar:

ClinVar aggregate classification (germline): Uncertain significance (1 of 4 stars; one submission).

gnomAD v4.1: 2 of 1,613,706 alleles (0.00012%); highest among the groups gnomAD compares: Non-Finnish European, 0.00017%; no homozygotes.

Submission:

Labcorp Genetics (formerly Invitae), Labcorp
Classification: Uncertain significance. Last evaluated: 2022-09-12. Review status: criteria provided, single submitter. Criteria: Invitae Variant Classification Sherloc (09022015). Collection method: clinical testing. Allele origin: germline.
Comment: In summary, the available evidence is currently insufficient to determine the role of this variant in disease. Therefore, it has been classified as a Variant of Uncertain Significance. Advanced modeling of protein sequence and biophysical properties (such as structural, functional, and spatial information, amino acid conservation, physicochemical variation, residue mobility, and thermodynamic stability) performed at Invitae indicates that this missense variant is not expected to disrupt OCA2 protein function. ClinVar contains an entry for this variant (Variation ID: 1450482). This variant has not been reported in the literature in individuals affected with OCA2-related conditions. This variant is not present in population databases (gnomAD no frequency). This sequence change replaces arginine, which is basic and polar, with proline, which is neutral and non-polar, at codon 416 of the OCA2 protein (p.Arg416Pro).

NM_000275.3(OCA2):c.1247G>C (p.Arg416Pro)

Gene: OCA2 (OCA2 melanosomal transmembrane protein; minus strand). Cytogenetic location: 15q13.1.
Variant type: single nucleotide variant.
Coding change: c.1247G>C on transcript NM_000275.3 (MANE Select); coding-DNA position 1247, G replaced by C.
Protein change: p.Arg416Pro; replaces arginine 416 with proline.
Molecular consequence: missense variant.
Genome position (GRCh38, 1-based): chr15:27,985,181, C>G on the plus strand (G>C on the coding strand, the complement: OCA2 is on the minus strand). VCF-style: chr15-27985181-C-G. GRCh37 (hg19) VCF-style: chr15-28230327-C-G.
Other names: c.1175G>C, p.Arg392Pro (NM_001300984.2); short protein forms R392P, R416P.
Identifiers: ClinVar variation 1450482 (VCV001450482.6), dbSNP rs750843354, ClinGen allele CA391360721.